The following is an entry in ClinVar:

ClinVar aggregate classification (germline): Uncertain significance (1 of 4 stars; one submission).

gnomAD v4.1: 64 of 1,612,862 alleles (0.004%); highest among the groups gnomAD compares: African/African-American, 0.017%; 1 homozygote.

Submission:

Labcorp Genetics (formerly Invitae), Labcorp
Classification: Uncertain significance. Last evaluated: 2025-10-17. Review status: criteria provided, single submitter. Criteria: Invitae Variant Classification Sherloc (09022015). Collection method: clinical testing. Allele origin: germline.
Comment: This sequence change replaces proline, which is neutral and non-polar, with leucine, which is neutral and non-polar, at codon 116 of the AEBP1 protein (p.Pro116Leu). This variant is present in population databases (rs564381012, gnomAD 0.02%). This variant has not been reported in the literature in individuals affected with AEBP1-related conditions. An algorithm developed to predict the effect of missense changes on protein structure and function outputs the following: PolyPhen-2: "Not Available". The leucine amino acid residue is found in multiple mammalian species, which suggests that this missense change does not adversely affect protein function. In summary, the available evidence is currently insufficient to determine the role of this variant in disease. Therefore, it has been classified as a Variant of Uncertain Significance.

NM_001129.5(AEBP1):c.347C>T (p.Pro116Leu)

Gene: AEBP1 (AE binding protein 1; plus strand). Cytogenetic location: 7p13.
Variant type: single nucleotide variant.
Coding change: c.347C>T on transcript NM_001129.5 (MANE Select); coding-DNA position 347, C replaced by T.
Protein change: p.Pro116Leu; replaces proline 116 with leucine.
Molecular consequence: missense variant.
Genome position (GRCh38, 1-based): chr7:44,106,639, C>T. VCF-style: chr7-44106639-C-T. GRCh37 (hg19) VCF-style: chr7-44146238-C-T.
Other names: short protein forms P116L.
Identifiers: ClinVar variation 4738665 (VCV004738665.1).
Genomic context (GRCh38, chr7:44,106,639, plus strand): 5'-AAGGCAAGAAAGACAAAGGCCCCAAGGTGCCCAAGGAGTCCTTGGAGGGGTCCCCCAGGC[C>T]GCCCAAGAAGGGGAAGGAGAAGCCACCCAAGGCCACCAAGAAGCCCAAGGAGAAGCCACC-3'
Protein context (NP_001120.3, residues 106-126): PKESLEGSPR[Pro116Leu]PKKGKEKPPK